The following is an entry in ClinVar:

ClinVar aggregate classification (germline): Pathogenic/Likely pathogenic. Review status: criteria provided, multiple submitters, no conflicts (2 of 4 stars). 5 submissions from 5 submitters: Pathogenic (3); Likely pathogenic (2). Last evaluated 2025-03-04.

Conditions:
Retinitis pigmentosa 3. Also called: CHOROIDORETINAL DEGENERATION WITH RETINAL REFLEX IN HETEROZYGOUS WOMEN. Identifiers: Orphanet 791, MedGen C1845667, MONDO:0010227, OMIM 300029.
Primary ciliary dyskinesia. Also called: Ciliary dyskinesia. Identifiers: Orphanet 244, MedGen C0008780, MONDO:0016575, HP:0012265.

Submissions (5):

Institute of Human Genetics, University of Leipzig Medical Center
Classification: Likely pathogenic for Retinitis pigmentosa 3. Last evaluated: 2025-03-04. Review status: criteria provided, single submitter. Criteria: ACMG Guidelines, 2015. Collection method: clinical testing. Allele origin: unknown. Inheritance: X-linked dominant inheritance. Affected: yes.
Comment: Criteria applied: PVS1_MOD,PS4_MOD,PM2

CeGaT Center for Human Genetics Tuebingen
Classification: Likely pathogenic. Last evaluated: 2025-01-01. Review status: criteria provided, single submitter. Criteria: CeGaT Center For Human Genetics Tuebingen Variant Classification Criteria Version 2. Collection method: clinical testing. Allele origin: germline. Affected: yes. Observed: 2 variant alleles.
Comment: RPGR: PVS1:Strong, PM2

Labcorp Genetics (formerly Invitae), Labcorp
Classification: Pathogenic for Primary ciliary dyskinesia. Last evaluated: 2023-10-11. Review status: criteria provided, single submitter. Criteria: Invitae Variant Classification Sherloc (09022015). Collection method: clinical testing. Allele origin: germline.
Comment: This sequence change creates a premature translational stop signal (p.Glu877Glyfs*201) in the RPGR (ORF15) gene. While this is not anticipated to result in nonsense mediated decay, it is expected to disrupt the last 276 amino acid(s) of the RPGR (ORF15) protein. The frequency data for this variant in the population databases is considered unreliable, as metrics indicate insufficient coverage at this position in the gnomAD database. This premature translational stop signal has been observed in individuals with retinitis pigmentosa (PMID: 12402343, 18552978). This variant is also known as g.ORF15+875_876delGG. ClinVar contains an entry for this variant (Variation ID: 871437). This variant disrupts a region of the RPGR (ORF15) protein in which other variant(s) (p.Leu1130Lysfs*13) have been determined to be pathogenic (PMID: 22264887; Invitae). This suggests that this is a clinically significant region of the protein, and that variants that disrupt it are likely to be disease-causing. For these reasons, this variant has been classified as Pathogenic.

3billion
Classification: Pathogenic for Retinitis pigmentosa 3. Last evaluated: 2023-08-24. Review status: criteria provided, single submitter. Criteria: ACMG Guidelines, 2015. Collection method: clinical testing. Allele origin: germline. Affected: yes.
Comment: The variant is not observed in the gnomAD v2.1.1 dataset. Predicted Consequence/Location: Frameshift: predicted to result in a loss or disruption of normal protein function through protein truncation. The predicted truncated protein may be shortened by more than 10%. The variant has been reported at least twice as pathogenic with clinical assertions and evidence for the classification (ClinVar ID: VCV000871437). Therefore, this variant is classified as Pathogenic according to the recommendation of ACMG/AMP guideline.

Institute of Medical Genetics and Applied Genomics, University Hospital Tübingen
Classification: Pathogenic. Last evaluated: 2020-10-23. Review status: criteria provided, single submitter. Criteria: ACMG Guidelines, 2015. Collection method: clinical testing. Allele origin: germline. Inheritance: X-linked recessive inheritance. Affected: yes.

Literature cited by the submitters: PubMed 12402343 (cited by Labcorp Genetics (formerly Invitae), Labcorp); PubMed 18552978 (cited by Labcorp Genetics (formerly Invitae), Labcorp); PubMed 22264887 (cited by Labcorp Genetics (formerly Invitae), Labcorp).

NM_001034853.2(RPGR):c.2628_2629del (p.Glu877fs)

Gene: RPGR (retinitis pigmentosa GTPase regulator; minus strand). Cytogenetic location: Xp11.4.
Variant type: Deletion.
Coding change: c.2628_2629del on transcript NM_001034853.2 (MANE Select); coding-DNA positions 2628 to 2629, 2 bases deleted (GG; older notation c.2628_2629delGG).
Protein change: p.Glu877fs; shifts the reading frame from glutamic acid 877.
Molecular consequence: frameshift variant. On other transcripts: intron variant (8).
Genome position (GRCh38, 1-based): chrX:38,286,370-38,286,371, CC deleted on the plus strand (GG on the coding strand, the reverse complement: RPGR is on the minus strand); deleting any 2 consecutive bases within chrX:38,286,370-38,286,373 gives the same sequence; the c. name uses the placement nearest the transcript's 3' end. VCF-style (leftmost placement, unchanged base first): chrX-38286369-TCC-T. GRCh37 (hg19) VCF-style: chrX-38145622-TCC-T.
Other names: c.1569+4588_1569+4589del (NM_001367249.1, NM_001367250.1); c.1902+723_1902+724del (NM_001367245.1); c.1386+4588_1386+4589del (NM_001367251.1); c.1719+723_1719+724del (NM_001367246.1); c.1572+4588_1572+4589del (NM_001367247.1); c.1905+723_1905+724del (NM_000328.3); c.1602+4588_1602+4589del (NM_001367248.1); short protein forms E877fs.
Identifiers: ClinVar variation 871437 (VCV000871437.50), dbSNP rs2067166789, ClinGen allele CA1139667418.